The following is an entry in ClinVar:

NM_001008216.2(GALE):c.442C>A (p.His148Asn)

Gene: GALE (UDP-galactose-4-epimerase; minus strand). Cytogenetic location: 1p36.11.
Variant type: single nucleotide variant.
Coding change: c.442C>A on transcript NM_001008216.2 (MANE Select); coding-DNA position 442, C replaced by A.
Protein change: p.His148Asn; replaces histidine 148 with asparagine.
Molecular consequence: missense variant.
Genome position (GRCh38, 1-based): chr1:23,797,781, G>T on the plus strand (C>A on the coding strand, the complement: GALE is on the minus strand). VCF-style: chr1-23797781-G-T. GRCh37 (hg19) VCF-style: chr1-24124271-G-T.
Other names: c.442C>A, p.His148Asn (NM_000403.4, NM_001127621.2); short protein forms H148N.
Identifiers: ClinVar variation 1408789 (VCV001408789.8), dbSNP rs1006253988, ClinGen allele CA19281529.

ClinVar aggregate classification (germline): Uncertain significance. Review status: criteria provided, multiple submitters, no conflicts (2 of 4 stars). 2 submissions from 2 submitters: Uncertain significance (2). Last evaluated 2025-03-06.

Conditions:
UDPglucose-4-epimerase deficiency. Also called: UDP-GALACTOSE-4-EPIMERASE DEFICIENCY; Galactose epimerase deficiency; Epimerase Deficiency Galactosemia; GALACTOSEMIA III; GALE DEFICIENCY; UDPglucose 4-Epimerase Deficiency Disease. Identifiers: Orphanet 352, Orphanet 79238, MedGen C0751161, MONDO:0009257, OMIM 230350.

Allele frequency attached by ClinVar (database versions not stated): TOPMed below 0.00001.
gnomAD v4.1: 2 of 1,614,116 alleles (0.00012%); highest among the groups gnomAD compares: Non-Finnish European, 0.00017%; no homozygotes.

Submissions (2):

Dasa
Classification: Uncertain significance. Last evaluated: 2025-03-06. Review status: criteria provided, single submitter. Criteria: DASA Assertion Criteria. Collection method: clinical testing. Allele origin: germline.
Comment: NM_001008216.2(GALE):c.442C>A (p.His148Asn) is a missense variant that results in the substitution of histidine with asparagine. This variant has been observed in affected individuals with GALE-related disorders. Also, this variant is rare in population databases. The currently available literature and clinical evidence are not sufficient to establish a definitive association between this variant and the reported condition. Therefore, this variant is classified as a variant of uncertain significance.

Labcorp Genetics (formerly Invitae), Labcorp
Classification: Uncertain significance for UDPglucose-4-epimerase deficiency. Last evaluated: 2020-10-29. Review status: criteria provided, single submitter. Criteria: Invitae Variant Classification Sherloc (09022015). Collection method: clinical testing. Allele origin: germline.
Comment: In summary, the available evidence is currently insufficient to determine the role of this variant in disease. Therefore, it has been classified as a Variant of Uncertain Significance. Algorithms developed to predict the effect of missense changes on protein structure and function are either unavailable or do not agree on the potential impact of this missense change (SIFT: "Tolerated"; PolyPhen-2: "Probably Damaging"; Align-GVGD: "Class C0"). This variant has not been reported in the literature in individuals with GALE-related conditions. This variant is not present in population databases (ExAC no frequency). This sequence change replaces histidine with asparagine at codon 148 of the GALE protein (p.His148Asn). The histidine residue is moderately conserved and there is a small physicochemical difference between histidine and asparagine.